The following is an entry in ClinVar:

ClinVar aggregate classification (germline): Pathogenic/Likely pathogenic. Review status: criteria provided, multiple submitters, no conflicts (2 of 4 stars). 3 submissions from 3 submitters: Pathogenic (2); Likely pathogenic (1). Last evaluated 2023-11-17.

Conditions:
Retinitis pigmentosa 25 (RP25). Identifiers: Orphanet 791, MedGen C1864446, MONDO:0011272, OMIM 602772.
Retinitis pigmentosa (RP). Identifiers: Orphanet 791, MedGen C0035334, MeSH D012174, MONDO:0019200, OMIM 268000. Inheritance: Autosomal dominant, autosomal recessive and X linked inheritance.

Allele frequency attached by ClinVar (database versions not stated): gnomAD 0.00001; TOPMed 0.00001.
gnomAD v4.1: 12 of 1,520,776 alleles (0.00079%); highest among the groups gnomAD compares: East Asian, 0.0025%; no homozygotes.

Submissions (3):

Labcorp Genetics (formerly Invitae), Labcorp
Classification: Pathogenic. Last evaluated: 2023-11-17. Review status: criteria provided, single submitter. Criteria: Invitae Variant Classification Sherloc (09022015). Collection method: clinical testing. Allele origin: germline.
Comment: This sequence change affects a donor splice site in intron 20 of the EYS gene. It is expected to disrupt RNA splicing. Variants that disrupt the donor or acceptor splice site typically lead to a loss of protein function (PMID: 16199547), and loss-of-function variants in EYS are known to be pathogenic (PMID: 18836446, 20333770). This variant is not present in population databases (gnomAD no frequency). Disruption of this splice site has been observed in individuals with retinitis pigmentosa (PMID: 33576794). ClinVar contains an entry for this variant (Variation ID: 1297160). Algorithms developed to predict the effect of sequence changes on RNA splicing suggest that this variant may disrupt the consensus splice site. For these reasons, this variant has been classified as Pathogenic.

Fulgent Genetics
Classification: Pathogenic for Retinitis pigmentosa 25. Last evaluated: 2022-01-11. Review status: criteria provided, single submitter. Criteria: ACMG Guidelines, 2015. Collection method: clinical testing. Allele origin: unknown.

Broad Center for Mendelian Genomics, Broad Institute of MIT and Harvard
Classification: Likely pathogenic for Retinitis pigmentosa. Last evaluated: 2021-04-01. Review status: criteria provided, single submitter. Criteria: ACMG Guidelines, 2015. Collection method: curation. Allele origin: germline. Inheritance: Autosomal recessive inheritance. Affected: yes.
Comment: Through a review of available evidence we were able to apply the following criteria: PVS1, PM2. Based on this evidence we have classified this variant as Likely Pathogenic. If you have any questions about the classification please reach out to the Pierce Lab.

Literature cited by the submitters: PubMed 16199547 (cited by Labcorp Genetics (formerly Invitae), Labcorp); PubMed 18836446 (cited by Labcorp Genetics (formerly Invitae), Labcorp); PubMed 20333770 (cited by Labcorp Genetics (formerly Invitae), Labcorp); PubMed 33576794 (cited by Labcorp Genetics (formerly Invitae), Labcorp); PubMed 34906470 (cited by Broad Center for Mendelian Genomics, Broad Institute of MIT and Harvard).

NM_001142800.2(EYS):c.3164+1G>A

Gene: EYS (EGF-like photoreceptor maintenance factor; minus strand). Cytogenetic location: 6q12.
Variant type: single nucleotide variant.
Coding change: c.3164+1G>A on transcript NM_001142800.2 (MANE Select); the canonical splice donor site of the intron after coding-DNA position 3164, G replaced by A.
Molecular consequence: splice donor variant.
Genome position (GRCh38, 1-based): chr6:64,822,650, C>T on the plus strand (G>A on the coding strand, the complement: EYS is on the minus strand). VCF-style: chr6-64822650-C-T. GRCh37 (hg19) VCF-style: chr6-65532543-C-T.
Other names: c.3164+1G>A (NM_001292009.2).
Identifiers: ClinVar variation 1297160 (VCV001297160.7), dbSNP rs1029564423, ClinGen allele CA140369225.